The following is an entry in ClinVar:

NM_001034853.2(RPGR):c.2537_2541del (p.Glu846fs)

Gene: RPGR (retinitis pigmentosa GTPase regulator; minus strand). Cytogenetic location: Xp11.4.
Variant type: Deletion.
Coding change: c.2537_2541del on transcript NM_001034853.2 (MANE Select); coding-DNA positions 2537 to 2541, 5 bases deleted (AAGGG; older notation c.2537_2541delAAGGG).
Protein change: p.Glu846fs; shifts the reading frame from glutamic acid 846.
Molecular consequence: frameshift variant. On other transcripts: intron variant (8).
Genome position (GRCh38, 1-based): chrX:38,286,458-38,286,462, CCCTT deleted on the plus strand (AAGGG on the coding strand, the reverse complement: RPGR is on the minus strand); deleting any 5 consecutive bases within chrX:38,286,458-38,286,464 gives the same sequence; the c. name uses the placement nearest the transcript's 3' end. VCF-style (leftmost placement, unchanged base first): chrX-38286457-CCCCTT-C. GRCh37 (hg19) VCF-style: chrX-38145710-CCCCTT-C.
Other names: c.1569+4497_1569+4501del (NM_001367249.1, NM_001367250.1); c.1902+632_1902+636del (NM_001367245.1); c.1386+4497_1386+4501del (NM_001367251.1); c.1719+632_1719+636del (NM_001367246.1); c.1572+4497_1572+4501del (NM_001367247.1); c.1905+632_1905+636del (NM_000328.3); c.1602+4497_1602+4501del (NM_001367248.1); short protein forms E846fs.
Identifiers: ClinVar variation 4719539 (VCV004719539.1).

ClinVar aggregate classification (germline): Pathogenic (1 of 4 stars; one submission).

Conditions:
Primary ciliary dyskinesia. Also called: Ciliary dyskinesia. Identifiers: Orphanet 244, MedGen C0008780, MONDO:0016575, HP:0012265.

Submission:

Labcorp Genetics (formerly Invitae), Labcorp
Classification: Pathogenic for Primary ciliary dyskinesia. Last evaluated: 2025-05-13. Review status: criteria provided, single submitter. Criteria: Invitae Variant Classification Sherloc (09022015). Collection method: clinical testing. Allele origin: germline.
Comment: This sequence change creates a premature translational stop signal (p.Glu846Glyfs*231) in the RPGR (ORF15) gene. While this is not anticipated to result in nonsense mediated decay, it is expected to disrupt the last 307 amino acid(s) of the RPGR (ORF15) protein. The frequency data for this variant in the population databases is considered unreliable, as metrics indicate insufficient coverage at this position in the gnomAD database. This variant has not been reported in the literature in individuals affected with RPGR (ORF15)-related conditions. This variant disrupts a region of the RPGR (ORF15) protein in which other variant(s) (p.Leu1130Lysfs*13) have been determined to be pathogenic (PMID: 22264887; internal data). This suggests that this is a clinically significant region of the protein, and that variants that disrupt it are likely to be disease-causing. For these reasons, this variant has been classified as Pathogenic.

Literature cited by the submitters: PubMed 22264887.